The following is an entry in ClinVar:

ClinVar aggregate classification (germline): Benign (1 of 4 stars; one submission).

Allele frequency attached by ClinVar (database versions not stated): 1000 Genomes Project 0.08626; 1000 Genomes Project 30x 0.09182; gnomAD 0.11917 and 0.11958; TOPMed 0.12235.
gnomAD v4.1: 17,520 of 147,440 alleles (12%); highest among the groups gnomAD compares: Middle Eastern, 20%; 1,164 homozygotes.

Submissions (5):

GeneDx
Classification: Benign. Last evaluated: 2018-06-16. Review status: criteria provided, single submitter. Criteria: GeneDx Variant Classification (06012015). Collection method: clinical testing. Allele origin: germline. Affected: yes.
Comment: This variant is considered likely benign or benign based on one or more of the following criteria: it is a conservative change, it occurs at a poorly conserved position in the protein, it is predicted to be benign by multiple in silico algorithms, and/or has population frequency not consistent with disease.

Dr. Peter K. Rogan Lab, Western University
No classification provided (evidence only). Condition: Acute myeloid leukemia. Review status: no classification provided. Collection method: in vitro. Allele origin: not applicable. Functional consequence: retained intron. Not counted in ClinVar's aggregate classification.

Dr. Peter K. Rogan Lab, Western University
No classification provided (evidence only). Condition: Uterine corpus endometrial carcinoma. Review status: no classification provided. Collection method: in vitro. Allele origin: not applicable. Functional consequence: retained intron. Not counted in ClinVar's aggregate classification.

Dr. Peter K. Rogan Lab, Western University
No classification provided (evidence only). Condition: Sarcoma. Review status: no classification provided. Collection method: in vitro. Allele origin: not applicable. Functional consequence: skipped exon. Not counted in ClinVar's aggregate classification.

Dr. Peter K. Rogan Lab, Western University
No classification provided (evidence only). Condition: Ovarian serous cystadenocarcinoma. Review status: no classification provided. Collection method: in vitro. Allele origin: not applicable. Functional consequence: retained intron. Not counted in ClinVar's aggregate classification.

NM_012062.5(DNM1L):c.2154+273G>A

Gene: DNM1L (dynamin 1L; plus strand). Cytogenetic location: 12p11.21.
Variant type: single nucleotide variant.
Coding change: c.2154+273G>A on transcript NM_012062.5 (MANE Select); 273 bases into the intron after coding-DNA position 2154, G replaced by A.
Molecular consequence: intron variant.
Genome position (GRCh38, 1-based): chr12:32,743,021, G>A. VCF-style: chr12-32743021-G-A. GRCh37 (hg19) VCF-style: chr12-32895955-G-A.
Other names: NC_000012.11:g.32895955G>A; c.2193+273G>A (NM_001278464.2); c.2160+273G>A (NM_001278465.2); c.2082+273G>A (NM_001330380.2); c.1545+273G>A (NM_001278466.2); c.2121+273G>A (NM_001278463.2); c.2076+273G>A (NM_012063.4); c.2043+273G>A (NM_005690.5).
Identifiers: ClinVar variation 680576 (VCV000680576.2), dbSNP rs7302961, ClinGen allele CA235208384.